The following is an entry in ClinVar:

ClinVar aggregate classification (germline): Uncertain significance (1 of 4 stars; one submission).

Conditions:
Inflammatory bowel disease 28. Also called: Inflammatory bowel disease 28, early onset, autosomal recessive. Identifiers: Orphanet 238569, MedGen C2751053, MONDO:0013153, OMIM 613148.

Allele frequency attached by ClinVar (database versions not stated): gnomAD 0.00001; TOPMed 0.00002.

Submission:

Labcorp Genetics (formerly Invitae), Labcorp
Classification: Uncertain significance for Inflammatory bowel disease 28. Last evaluated: 2022-03-13. Review status: criteria provided, single submitter. Criteria: Invitae Variant Classification Sherloc (09022015). Collection method: clinical testing. Allele origin: germline.
Comment: This sequence change replaces arginine, which is basic and polar, with glutamine, which is neutral and polar, at codon 212 of the IL10RA protein (p.Arg212Gln). This variant is present in population databases (rs4252273, gnomAD 0.003%). This variant has not been reported in the literature in individuals affected with IL10RA-related conditions. Algorithms developed to predict the effect of missense changes on protein structure and function output the following: SIFT: "Deleterious"; PolyPhen-2: "Possibly Damaging"; Align-GVGD: "Class C35". The glutamine amino acid residue is found in multiple mammalian species, which suggests that this missense change does not adversely affect protein function. In summary, the available evidence is currently insufficient to determine the role of this variant in disease. Therefore, it has been classified as a Variant of Uncertain Significance.

NM_001558.4(IL10RA):c.635G>A (p.Arg212Gln)

Gene: IL10RA (interleukin 10 receptor subunit alpha; plus strand). Cytogenetic location: 11q23.3.
Variant type: single nucleotide variant.
Coding change: c.635G>A on transcript NM_001558.4 (MANE Select); coding-DNA position 635, G replaced by A.
Protein change: p.Arg212Gln; replaces arginine 212 with glutamine.
Molecular consequence: missense variant. On other transcripts: non-coding transcript variant (1).
Genome position (GRCh38, 1-based): chr11:117,994,096, G>A. VCF-style: chr11-117994096-G-A. GRCh37 (hg19) VCF-style: chr11-117864811-G-A.
Other names: short protein forms R212Q.
Identifiers: ClinVar variation 1986996 (VCV001986996.1), dbSNP rs4252273, ClinGen allele CA229445307.